The following is an entry in ClinVar:

ClinVar aggregate classification (germline): Pathogenic/Likely pathogenic. Review status: criteria provided, multiple submitters, no conflicts (2 of 4 stars). 15 submissions from 15 submitters: Pathogenic (11); Likely pathogenic (2). 2 of the submissions do not count toward it. Last evaluated 2025-12-03.

Conditions:
Autosomal dominant hypocalcemia 1 (HYPOC1). Also called: HYPOCALCEMIA, FAMILIAL. Identifiers: MedGen C3715128, MONDO:0011013, OMIM 601198.
Familial hypocalciuric hypercalcemia (FHH). Also called: Familial benign hypercalcemia. Identifiers: Orphanet 405, MedGen C1809471, MONDO:0018458.
Epilepsy, idiopathic generalized, susceptibility to, 8. Identifiers: MedGen C2752062, MONDO:0013032, OMIM 612899.
Neonatal severe primary hyperparathyroidism. Identifiers: Orphanet 417, MedGen C1832615, MONDO:0009397, OMIM 239200.
Familial hypocalciuric hypercalcemia 1. Also called: Hypercalcemia, familial benign type 1. Identifiers: Orphanet 405, Orphanet 93372, MedGen C0342637, MONDO:0007791, OMIM 145980.
CASR-related disorder. Also called: CASR-related condition.
CASR-related calcium metabolism disorders.
Nephrolithiasis/nephrocalcinosis. Identifiers: MedGen CN580796.

Allele frequency attached by ClinVar (database versions not stated): gnomAD exomes 0.00001; ExAC 0.00002; TOPMed 0.00002; ESP Exome Variant Server 0.00008; gnomAD 0.00010.
gnomAD v4.1: 16 of 1,613,862 alleles (0.00099%); highest among the groups gnomAD compares: African/African-American, 0.004%; no homozygotes.

Submissions (15):

Clinical Genetics Laboratory, Skane University Hospital Lund
Classification: Likely pathogenic for Familial hypocalciuric hypercalcemia 1. Last evaluated: 2025-12-03. Review status: criteria provided, single submitter. Criteria: ACMG Guidelines, 2015. Collection method: clinical testing. Allele origin: germline. Affected: yes.
Comment: ACMG criteria used: PVS1 strong, PS4 moderate, PP1 and PP4 moderate

Labcorp Genetics (formerly Invitae), Labcorp
Classification: Pathogenic for Familial hypocalciuric hypercalcemia; Autosomal dominant hypocalcemia 1. Last evaluated: 2025-07-06. Review status: criteria provided, single submitter. Criteria: Invitae Variant Classification Sherloc (09022015). Collection method: clinical testing. Allele origin: germline.
Comment: This sequence change creates a premature translational stop signal (p.Arg25*) in the CASR gene. It is expected to result in an absent or disrupted protein product. Loss-of-function variants in CASR are known to be pathogenic (PMID: 11807402, 14985373, 22422767). This variant is present in population databases (rs201633414, gnomAD 0.01%). This premature translational stop signal has been observed in individual(s) with familial hypocalciuric hypercalcaemia (FHH) and primary hyperparathyroidism (HPT) (PMID: 16649980, 21521328). Invitae Evidence Modeling of clinical and family history, age, sex, and reported ancestry of multiple individuals with this CASR variant has been performed. This variant is expected to be pathogenic with a positive predictive value of at least 99%. This is a validated machine learning model that incorporates the clinical features of 646,172 individuals referred to our laboratory for CASR testing. ClinVar contains an entry for this variant (Variation ID: 372315). Algorithms developed to predict the effect of sequence changes on RNA splicing suggest that this variant may disrupt the consensus splice site. For these reasons, this variant has been classified as Pathogenic.

PreventionGenetics, part of Exact Sciences
Classification: Pathogenic for CASR-related condition. Last evaluated: 2025-06-25. Review status: criteria provided, single submitter. Criteria: ACMG Guidelines, 2015. Collection method: clinical testing. Allele origin: germline.
Comment: The CASR c.73C>T variant is predicted to result in premature protein termination (p.Arg25*). This variant has been reported in multiple individuals with familial hypocalciuric hypercalcemia (Ward et al. 2006. PubMed ID: 16649980; García-Castaño et al. 2019. PubMed ID: 30407919). This variant has also been reported in multiple individuals with primary hyperparathyroidism (Frank-Raue et al. 2011. PubMed ID: 21521328; Hannan et al. 2012. PubMed ID: 22422767). This variant is reported in 0.012% of alleles in individuals of African descent in gnomAD. Nonsense variants in CASR are expected to be pathogenic. This variant is interpreted as pathogenic.

Athena Diagnostics
Classification: Pathogenic. Last evaluated: 2025-02-28. Review status: criteria provided, single submitter. Criteria: Athena Diagnostics Criteria. Collection method: clinical testing. Allele origin: unknown.
Comment: This variant is expected to result in the loss of a functional protein. The frequency of this variant in the general population is consistent with pathogenicity. This variant has been identified in at least one individual with familial hypocalciuric hypercalcemia (FHH).

Revvity Omics, Revvity
Classification: Pathogenic. Last evaluated: 2025-01-23. Review status: criteria provided, single submitter. Criteria: ACMG Guidelines, 2015. Collection method: clinical testing. Allele origin: germline.

Fulgent Genetics
Classification: Pathogenic for Familial hypocalciuric hypercalcemia 1; Neonatal severe primary hyperparathyroidism; Autosomal dominant hypocalcemia 1; Epilepsy, idiopathic generalized, susceptibility to, 8. Last evaluated: 2024-05-04. Review status: criteria provided, single submitter. Criteria: ACMG Guidelines, 2015. Collection method: clinical testing. Allele origin: germline.

CeGaT Center for Human Genetics Tuebingen
Classification: Likely pathogenic. Last evaluated: 2024-05-01. Review status: criteria provided, single submitter. Criteria: CeGaT Center For Human Genetics Tuebingen Variant Classification Criteria Version 2. Collection method: clinical testing. Allele origin: germline. Affected: yes. Observed: 1 variant allele.
Comment: CASR: PVS1:Strong, PS4:Moderate, PM2:Supporting

Women's Health and Genetics/Laboratory Corporation of America, LabCorp
Classification: Pathogenic for Neonatal severe primary hyperparathyroidism. Last evaluated: 2024-04-18. Review status: criteria provided, single submitter. Criteria: LabCorp Variant Classification Summary - May 2015. Collection method: clinical testing. Allele origin: germline.
Comment: Variant summary: CASR c.73C>T (p.Arg25X) results in a premature termination codon, predicted to cause absence of the protein due to nonsense mediated decay, which is a commonly known mechanism for disease. The variant allele was found at a frequency of 8e-06 in 251326 control chromosomes. c.73C>T has been reported in the literature at a homozygous state in at-least one individual affected with Neonatal Severe Hyperparathyroidism and at a heterozygous state in one patient with familial hypocalciuric hypercalcaemia (example, Hannan_2012). These data indicate that the variant may be associated with disease. To our knowledge, no experimental evidence demonstrating an impact on protein function has been reported. The following publication has been ascertained in the context of this evaluation (PMID: 22422767). ClinVar contains an entry for this variant (Variation ID: 372315). Based on the evidence outlined above, the variant was classified as pathogenic.

Baylor Genetics
Classification: Pathogenic for CASR-related calcium metabolism disorders. Last evaluated: 2023-08-30. Review status: criteria provided, single submitter. Criteria: ACMG Guidelines, 2015. Collection method: clinical testing. Allele origin: unknown.

Blueprint Genetics
Classification: Pathogenic for CASR-related disorders. Last evaluated: 2023-07-21. Review status: criteria provided, single submitter. Criteria: ACMG Guidelines, 2015. Collection method: clinical testing. Allele origin: germline. Affected: yes. Observed: 2 variant alleles.

Ambry Genetics
Classification: Pathogenic for Nephrolithiasis/nephrocalcinosis. Last evaluated: 2021-08-11. Review status: criteria provided, single submitter. Criteria: Ambry Variant Classification Scheme 2023. Collection method: clinical testing. Allele origin: germline.
Comment: The p.R25* pathogenic mutation (also known as c.73C>T), located in coding exon 1 of the CASR gene, results from a C to T substitution at nucleotide position 73. This changes the amino acid from an arginine to a stop codon within coding exon 1. This alteration has been identified in multiple families with familial hypocalciuric hypercalcemia (FHH) (Ward BK et al. Clin Endocrinol (Oxf), 2006 May;64:580-7; Garc&iacute;a-Casta&ntilde;o A et al. Eur J Endocrinol, 2019 Jan;180:59-70). Additionally, this alteration was identified in an individual diagnosed with hypercalcemia, hyperparathyroidism, kidney stones and hypertension (Frank-Raue K et al. Clin Endocrinol (Oxf), 2011 Jul;75:50-5). In addition to the clinical data presented in the literature, this alteration is expected to result in loss of function by premature protein truncation or nonsense-mediated mRNA decay. As such, this alteration is interpreted as a disease-causing mutation.

Victorian Clinical Genetics Services, Murdoch Childrens Research Institute
Classification: Pathogenic for Autosomal dominant hypocalcemia 1. Last evaluated: 2020-05-21. Review status: criteria provided, single submitter. Criteria: ACMG Guidelines, 2015. Collection method: clinical testing. Allele origin: germline. Affected: no.
Comment: A heterozygous nonsense variant was identified, NM_000388.3(CASR):c.73C>T in exon 2 of 7 of the CASR gene. This nonsense variant is predicted to create a change of arginine to a stop at amino acid position 25 of the protein, NP_000379.2(CASR):p.(Arg25*) resulting in the loss of normal protein function through nonsense-mediated decay (NMD). The variant is present in the gnomAD population database at a frequency of 0.0018% (5 heterozygotes). It has been previously reported as pathogenic and in patients with mild hypercalcaemia and hyperparathyroidism (ClinVar, Ward, B. et al. (2006), Frank-Raue, K. et al. (2011)). It has also been shown to segregate with the disease in one family (Ward, B. et al. (2006)). Other variants predicted to cause NMD have been reported as pathogenic in individuals with hyperparathyroidism and hypercalcemia (ClinVar). Based on information available at the time of curation, this variant has been classified as PATHOGENIC.

GeneDx
Classification: Pathogenic. Last evaluated: 2016-05-04. Review status: criteria provided, single submitter. Criteria: GeneDx Variant Classification (06012015). Collection method: clinical testing. Allele origin: germline. Affected: yes.
Comment: The R25X nonsense variant in the CASR gene has been reported previously in patients with primary hyperparathyroidism and familial hypocacliuric hypercalcemia (Frank-Raue et al, 2011; Ward et al., 2006). This pathogenic variant is predicted to cause loss of normal protein function either through protein truncation or nonsense-mediated mRNA decay. In addition, the R25X variant was not observed at any significant frequency in approximately 6,500 individuals of European and African American ancestry by the NHLBI Exome Sequencing Project. In summary, we interpret R25X as a pathogenic variant.

Genome Diagnostics Laboratory, University Medical Center Utrecht
Classification: Pathogenic. Review status: no assertion criteria provided. Collection method: clinical testing. Allele origin: germline. Affected: yes. Study: VKGL Data-share Consensus. Not counted in ClinVar's aggregate classification.

Joint Genome Diagnostic Labs from Nijmegen and Maastricht, Radboudumc and MUMC+
Classification: Pathogenic. Review status: no assertion criteria provided. Collection method: clinical testing. Allele origin: germline. Affected: yes. Study: VKGL Data-share Consensus. Not counted in ClinVar's aggregate classification.

Literature cited by the submitters: PubMed 11807402 (cited by Labcorp Genetics (formerly Invitae), Labcorp); PubMed 14985373 (cited by Labcorp Genetics (formerly Invitae), Labcorp); PubMed 22422767 (cited by 3 submitters); PubMed 16649980 (cited by 4 submitters); PubMed 21521328 (cited by 4 submitters); PubMed 30407919 (cited by Athena Diagnostics and Ambry Genetics).

NM_000388.4(CASR):c.73C>T (p.Arg25Ter)

Gene: CASR (calcium sensing receptor; plus strand). Cytogenetic location: 3q21.1.
Variant type: single nucleotide variant.
Coding change: c.73C>T on transcript NM_000388.4 (MANE Select); coding-DNA position 73, C replaced by T.
Protein change: p.Arg25Ter; replaces arginine 25 with a stop codon.
Molecular consequence: nonsense.
Genome position (GRCh38, 1-based): chr3:122,254,262, C>T. VCF-style: chr3-122254262-C-T. GRCh37 (hg19) VCF-style: chr3-121973109-C-T.
Other names: c.73C>T, p.Arg25Ter (NM_001178065.2); c.73C>T (NM_001178065.1); short protein forms R25*.
Identifiers: ClinVar variation 372315 (VCV000372315.42), dbSNP rs201633414, ClinGen allele CA2569414.